The following is an entry in ClinVar:

ClinVar aggregate classification (germline): Pathogenic (1 of 4 stars; one submission).

Submission:

Labcorp Genetics (formerly Invitae), Labcorp
Classification: Pathogenic. Last evaluated: 2024-05-02. Review status: criteria provided, single submitter. Criteria: Invitae Variant Classification Sherloc (09022015). Collection method: clinical testing. Allele origin: germline.
Comment: This sequence change creates a premature translational stop signal (p.Met1417Argfs*31) in the KMT2A gene. It is expected to result in an absent or disrupted protein product. Loss-of-function variants in KMT2A are known to be pathogenic (PMID: 22795537, 25810209, 29574747). This variant is not present in population databases (gnomAD no frequency). This variant has not been reported in the literature in individuals affected with KMT2A-related conditions. For these reasons, this variant has been classified as Pathogenic.

Literature cited by the submitters: PubMed 22795537; PubMed 25810209; PubMed 29574747.

NM_001197104.2(KMT2A):c.4228_4249dup (p.Met1417fs)

Gene: KMT2A (lysine methyltransferase 2A; plus strand). Cytogenetic location: 11q23.3.
Variant type: Duplication.
Coding change: c.4228_4249dup on transcript NM_001197104.2 (MANE Select); coding-DNA positions 4228 to 4249, 22 bases duplicated (GAAGCAGAAAATGTGTGGGAGA).
Protein change: p.Met1417fs; shifts the reading frame from methionine 1417.
Molecular consequence: frameshift variant.
Genome position (GRCh38, 1-based): chr11:118,484,871-118,484,892, GAAGCAGAAAATGTGTGGGAGA duplicated. VCF-style (leftmost placement, unchanged base first): chr11-118484870-T-TGAAGCAGAAAATGTGTGGGAGA. GRCh37 (hg19) VCF-style: chr11-118355585-T-TGAAGCAGAAAATGTGTGGGAGA.
Other names: c.4327_4348dup, p.Met1450fs (NM_001412597.1); c.4228_4249dup, p.Met1417fs (NM_005933.4); short protein forms M1450fs, M1417fs.
Identifiers: ClinVar variation 3651950 (VCV003651950.2).
Genomic context (GRCh38, chr11:118,484,870, plus strand): 5'-CCAAAGTTGTGTAATTGTAAAACTTTCCTAAGTGACCTTTCTCTCTCCACAGGAGGATTG[T>TGAAGCAGAAAATGTGTGGGAGA]GAAGCAGAAAATGTGTGGGAGATGGGAGGCTTAGGAATCTTGACTTCTGTTCCTATAACA-3'